The following is an entry in ClinVar:

NM_031407.7(HUWE1):c.7460G>A (p.Arg2487Gln)

Genes: HUWE1 (HECT, UBA and WWE domain containing E3 ubiquitin protein ligase 1; minus strand), LOC126863262 (MED14-independent group 3 enhancer GRCh37_chrX:53588722-53589921; plus strand). Cytogenetic location: Xp11.22.
Variant type: single nucleotide variant.
Coding change: c.7460G>A on transcript NM_031407.7 (MANE Select); coding-DNA position 7460, G replaced by A.
Protein change: p.Arg2487Gln; replaces arginine 2487 with glutamine.
Molecular consequence: missense variant.
Genome position (GRCh38, 1-based): chrX:53,561,803, C>T on the plus strand (G>A on the coding strand, the complement: HUWE1 is on the minus strand). VCF-style: chrX-53561803-C-T. GRCh37 (hg19) VCF-style: chrX-53588764-C-T.
Other names: short protein forms R2487Q.
Identifiers: ClinVar variation 1301276 (VCV001301276.6), dbSNP rs2062307888, ClinGen allele CA413156760.

ClinVar aggregate classification (germline): Uncertain significance. Review status: criteria provided, multiple submitters, no conflicts (2 of 4 stars). 2 submissions from 2 submitters: Uncertain significance (2). Last evaluated 2022-08-23.

Allele frequency attached by ClinVar (database versions not stated): gnomAD exomes below 0.00001; TOPMed below 0.00001.
gnomAD v4.1: 4 of 1,211,124 alleles (0.00033%); highest among the groups gnomAD compares: Non-Finnish European, 0.00045%; no homozygotes.

Submissions (2):

Labcorp Genetics (formerly Invitae), Labcorp
Classification: Uncertain significance. Last evaluated: 2022-08-23. Review status: criteria provided, single submitter. Criteria: Invitae Variant Classification Sherloc (09022015). Collection method: clinical testing. Allele origin: germline.
Comment: This variant is not present in population databases (gnomAD no frequency). In summary, the available evidence is currently insufficient to determine the role of this variant in disease. Therefore, it has been classified as a Variant of Uncertain Significance. Algorithms developed to predict the effect of sequence changes on RNA splicing suggest that this variant may create or strengthen a splice site. Advanced modeling of protein sequence and biophysical properties (such as structural, functional, and spatial information, amino acid conservation, physicochemical variation, residue mobility, and thermodynamic stability) performed at Invitae indicates that this missense variant is not expected to disrupt HUWE1 protein function. ClinVar contains an entry for this variant (Variation ID: 1301276). This variant has not been reported in the literature in individuals affected with HUWE1-related conditions. This sequence change replaces arginine, which is basic and polar, with glutamine, which is neutral and polar, at codon 2487 of the HUWE1 protein (p.Arg2487Gln).

GeneDx
Classification: Uncertain significance. Last evaluated: 2021-09-22. Review status: criteria provided, single submitter. Criteria: GeneDx Variant Classification Process June 2021. Collection method: clinical testing. Allele origin: germline. Affected: yes.
Comment: Not observed at significant frequency in large population cohorts (Lek et al., 2016); In silico analysis supports that this missense variant does not alter protein structure/function; Has not been previously published as pathogenic or benign to our knowledge